The following is an entry in ClinVar:

ClinVar aggregate classification (germline): Benign. Review status: criteria provided, single submitter (1 of 4 stars). 2 submissions from 2 submitters: Benign (1). 1 of the submissions does not count toward it. Last evaluated 2025-11-19.

Conditions:
EXPH5-related disorder. Also called: EXPH5-related condition.

Allele frequency attached by ClinVar (database versions not stated): gnomAD exomes 0.00059 and 0.00166; ExAC 0.00213; gnomAD 0.00611 and 0.00659; ESP Exome Variant Server 0.00646; 1000 Genomes Project 0.00699; TOPMed 0.00709; 1000 Genomes Project 30x 0.00718.
gnomAD v4.1: 1,813 of 1,608,826 alleles (0.11%); highest among the groups gnomAD compares: African/African-American, 2.1%; 27 homozygotes.

Submissions (2):

Labcorp Genetics (formerly Invitae), Labcorp
Classification: Benign. Last evaluated: 2025-11-19. Review status: criteria provided, single submitter. Criteria: Invitae Variant Classification Sherloc (09022015). Collection method: clinical testing. Allele origin: germline.

PreventionGenetics, part of Exact Sciences
Classification: Benign for EXPH5-related condition. Last evaluated: 2024-02-01. Review status: no assertion criteria provided. Collection method: clinical testing. Allele origin: germline. Not counted in ClinVar's aggregate classification.
Comment: This variant is classified as benign based on ACMG/AMP sequence variant interpretation guidelines (Richards et al. 2015 PMID: 25741868, with internal and published modifications).

NM_015065.3(EXPH5):c.3706T>G (p.Ser1236Ala)

Gene: EXPH5 (exophilin 5; minus strand). Cytogenetic location: 11q22.3.
Variant type: single nucleotide variant.
Coding change: c.3706T>G on transcript NM_015065.3 (MANE Select); coding-DNA position 3706, T replaced by G.
Protein change: p.Ser1236Ala; replaces serine 1236 with alanine.
Molecular consequence: missense variant.
Genome position (GRCh38, 1-based): chr11:108,511,801, A>C on the plus strand (T>G on the coding strand, the complement: EXPH5 is on the minus strand). VCF-style: chr11-108511801-A-C. GRCh37 (hg19) VCF-style: chr11-108382528-A-C.
Other names: c.3478T>G, p.Ser1160Ala (NM_001144763.2); c.3238T>G, p.Ser1080Ala (NM_001144764.2); c.3142T>G, p.Ser1048Ala (NM_001144765.2); c.3685T>G, p.Ser1229Ala (NM_001308019.2); short protein forms S1048A, S1080A, S1236A, S1160A, S1229A.
Identifiers: ClinVar variation 790654 (VCV000790654.8), dbSNP rs35520914, ClinGen allele CA6267653.
Genomic context (GRCh38, chr11:108,511,801, plus strand): 5'-GAGTGTAATATATTGAGACCACCTCCAGACATTTTACATTATCTTCATCACCAGAAACAG[A>C]AAACGTACTAGTCGTCTTAACTTTATGTAATGTTTTCCCACGTTCTTTTCCTGACAAGTC-3'
Protein context (NP_055880.2, residues 1226-1246): LHKVKTTSTF[Ser1236Ala]VSGDEDNVKC